The following is an entry in ClinVar:

ClinVar aggregate classification (germline): Uncertain significance (1 of 4 stars; one submission).

Allele frequency attached by ClinVar (database versions not stated): gnomAD exomes below 0.00001.
gnomAD v4.1: 1 of 1,613,734 alleles (0.000062%); highest among the groups gnomAD compares: Non-Finnish European, 0.000085%; no homozygotes.

Submission:

GeneDx
Classification: Uncertain significance. Last evaluated: 2023-03-21. Review status: criteria provided, single submitter. Criteria: GeneDx Variant Classification Process June 2021. Collection method: clinical testing. Allele origin: germline. Affected: yes.
Comment: Not observed at significant frequency in large population cohorts (gnomAD); In silico analysis supports that this missense variant does not alter protein structure/function; Has not been previously published as pathogenic or benign to our knowledge

NM_001371928.1(AHDC1):c.442G>C (p.Gly148Arg)

Gene: AHDC1 (AT-hook DNA binding motif containing 1; minus strand). Cytogenetic location: 1p36.11.
Variant type: single nucleotide variant.
Coding change: c.442G>C on transcript NM_001371928.1 (MANE Select); coding-DNA position 442, G replaced by C.
Protein change: p.Gly148Arg; replaces glycine 148 with arginine.
Molecular consequence: missense variant.
Genome position (GRCh38, 1-based): chr1:27,551,674, C>G on the plus strand (G>C on the coding strand, the complement: AHDC1 is on the minus strand). VCF-style: chr1-27551674-C-G. GRCh37 (hg19) VCF-style: chr1-27878185-C-G.
Other names: c.442G>C, p.Gly148Arg (NM_001029882.3); short protein forms G148R.
Identifiers: ClinVar variation 2580597 (VCV002580597.1), dbSNP rs2522091151, ClinGen allele CA339237210.
Genomic context (GRCh38, chr1:27,551,674, plus strand): 5'-AGAAGCTGTACTGTAGGTCGCCGGGTGGCGGTGCAGGCGGGCGGCTCAGTCGGAGCCCAC[C>G]ACAGTCCAGGTGTACACCACTGTGCTGCAGGTCCTGGGAGAGGCGTGTCAGGTCCTTCAT-3'
Protein context (NP_001358857.1, residues 138-158): LQHSGVHLDC[Gly148Arg]GLRLSRPPAP